The following is an entry in ClinVar:

NM_004656.4(BAP1):c.1676C>G (p.Thr559Arg)

Gene: BAP1 (BRCA1 associated deubiquitinase 1; minus strand). Cytogenetic location: 3p21.1.
Variant type: single nucleotide variant.
Coding change: c.1676C>G on transcript NM_004656.4 (MANE Select); coding-DNA position 1676, C replaced by G.
Protein change: p.Thr559Arg; replaces threonine 559 with arginine.
Molecular consequence: missense variant.
Genome position (GRCh38, 1-based): chr3:52,403,469, G>C on the plus strand (C>G on the coding strand, the complement: BAP1 is on the minus strand). VCF-style: chr3-52403469-G-C. GRCh37 (hg19) VCF-style: chr3-52437485-G-C.
Other names: c.1676C>G (NM_004656.3); short protein forms T559R.
Identifiers: ClinVar variation 1039798 (VCV001039798.6), dbSNP rs1282721599, ClinGen allele CA353099924.

ClinVar aggregate classification (germline): Uncertain significance. Review status: criteria provided, multiple submitters, no conflicts (2 of 4 stars). 2 submissions from 2 submitters: Uncertain significance (2). Last evaluated 2025-06-30.

Conditions:
BAP1-related tumor predisposition syndrome (TPDS1). Also called: TUMOR PREDISPOSITION SYNDROME 1; COMMON Syndrome; Tumor susceptibility linked to germline BAP1 mutations; BAP1 tumor predisposition syndrome. Identifiers: Orphanet 289539, MedGen C3280492, MONDO:0013692, OMIM 614327.

Submissions (2):

Labcorp Genetics (formerly Invitae), Labcorp
Classification: Uncertain significance for BAP1-related tumor predisposition syndrome. Last evaluated: 2025-06-30. Review status: criteria provided, single submitter. Criteria: Invitae Variant Classification Sherloc (09022015). Collection method: clinical testing. Allele origin: germline.
Comment: This sequence change replaces threonine, which is neutral and polar, with arginine, which is basic and polar, at codon 559 of the BAP1 protein (p.Thr559Arg). This variant is not present in population databases (gnomAD no frequency). This variant has not been reported in the literature in individuals affected with BAP1-related conditions. ClinVar contains an entry for this variant (Variation ID: 1039798). Invitae Evidence Modeling of protein sequence and biophysical properties (such as structural, functional, and spatial information, amino acid conservation, physicochemical variation, residue mobility, and thermodynamic stability) indicates that this missense variant is not expected to disrupt BAP1 protein function with a negative predictive value of 80%. In summary, the available evidence is currently insufficient to determine the role of this variant in disease. Therefore, it has been classified as a Variant of Uncertain Significance.

GeneDx
Classification: Uncertain significance. Last evaluated: 2024-06-04. Review status: criteria provided, single submitter. Criteria: GeneDx Variant Classification Process June 2021. Collection method: clinical testing. Allele origin: germline. Affected: yes.
Comment: Not observed at significant frequency in large population cohorts (gnomAD); In silico analysis indicates that this missense variant does not alter protein structure/function; Has not been previously published as pathogenic or benign to our knowledge